The following is an entry in ClinVar:

ClinVar aggregate classification (germline): Uncertain significance. Review status: criteria provided, multiple submitters, no conflicts (2 of 4 stars). 3 submissions from 3 submitters: Uncertain significance (3). Last evaluated 2025-05-22.

Conditions:
SH3TC2-related disorder. Also called: SH3TC2-related condition; SH3TC2-related disorders. Identifiers: MedGen CN239303.
Charcot-Marie-Tooth disease type 4. Also called: Charcot-Marie-Tooth, Type 4; Charcot-Marie-Tooth disease, type IV. Identifiers: Orphanet 64749, MedGen C4082197, MONDO:0018995.

Allele frequency attached by ClinVar (database versions not stated): gnomAD 0.00001; ExAC 0.00002; gnomAD exomes 0.00002; TOPMed 0.00003; ESP Exome Variant Server 0.00008.
gnomAD v4.1: 33 of 1,613,918 alleles (0.002%); highest among the groups gnomAD compares: Non-Finnish European, 0.0026%; no homozygotes.

Submissions (3):

PreventionGenetics, part of Exact Sciences
Classification: Uncertain significance for SH3TC2-related condition. Last evaluated: 2025-05-22. Review status: criteria provided, single submitter. Criteria: ACMG Guidelines, 2015. Collection method: clinical testing. Allele origin: germline.
Comment: The SH3TC2 c.841C>A variant is predicted to result in the amino acid substitution p.Pro281Thr. To our knowledge, this variant has not been reported in the literature. This variant is reported in 0.0018% of alleles in individuals of European (Non-Finnish) descent in gnomAD. At this time, the clinical significance of this variant is uncertain due to the absence of conclusive functional and genetic evidence.

Athena Diagnostics
Classification: Uncertain significance. Last evaluated: 2024-02-12. Review status: criteria provided, single submitter. Criteria: Athena Diagnostics Criteria. Collection method: clinical testing. Allele origin: unknown.
Comment: Available data are insufficient to determine the clinical significance of the variant at this time. The frequency of this variant in the general population is uninformative in assessment of its pathogenicity. Computational tools predict that this variant is not damaging.

Labcorp Genetics (formerly Invitae), Labcorp
Classification: Uncertain significance for Charcot-Marie-Tooth disease type 4. Last evaluated: 2022-03-13. Review status: criteria provided, single submitter. Criteria: Invitae Variant Classification Sherloc (09022015). Collection method: clinical testing. Allele origin: germline.
Comment: This sequence change replaces proline, which is neutral and non-polar, with threonine, which is neutral and polar, at codon 281 of the SH3TC2 protein (p.Pro281Thr). This variant is present in population databases (rs200713578, gnomAD 0.002%). This variant has not been reported in the literature in individuals affected with SH3TC2-related conditions. Advanced modeling of protein sequence and biophysical properties (such as structural, functional, and spatial information, amino acid conservation, physicochemical variation, residue mobility, and thermodynamic stability) performed at Invitae indicates that this missense variant is not expected to disrupt SH3TC2 protein function. In summary, the available evidence is currently insufficient to determine the role of this variant in disease. Therefore, it has been classified as a Variant of Uncertain Significance.

NM_024577.4(SH3TC2):c.841C>A (p.Pro281Thr)

Gene: SH3TC2 (SH3 domain and tetratricopeptide repeats 2; minus strand). Cytogenetic location: 5q32.
Variant type: single nucleotide variant.
Coding change: c.841C>A on transcript NM_024577.4 (MANE Select); coding-DNA position 841, C replaced by A.
Protein change: p.Pro281Thr; replaces proline 281 with threonine.
Molecular consequence: missense variant.
Genome position (GRCh38, 1-based): chr5:149,038,455, G>T on the plus strand (C>A on the coding strand, the complement: SH3TC2 is on the minus strand). VCF-style: chr5-149038455-G-T. GRCh37 (hg19) VCF-style: chr5-148418018-G-T.
Other names: short protein forms P281T.
Identifiers: ClinVar variation 2150372 (VCV002150372.3), dbSNP rs200713578, ClinGen allele CA3499362.
Genomic context (GRCh38, chr5:149,038,455, plus strand): 5'-CAAAGCCGATGATCTCAATGCTTTCTCCCTGGTAGAAATTCAGTTCATCCTTTTCTCCTG[G>T]CTCATAACCCGTCAAGGCCTTACAGCGTCCTCTGCCTGTGGAAAATAGCACACAGATCAG-3'
Protein context (NP_078853.2, residues 271-291): GRCKALTGYE[Pro281Thr]GEKDELNFYQ